The following is an entry in ClinVar:

NM_001830.4(CLCN4):c.1840C>A (p.Gln614Lys)

Gene: CLCN4 (chloride voltage-gated channel 4; plus strand). Cytogenetic location: Xp22.2.
Variant type: single nucleotide variant.
Coding change: c.1840C>A on transcript NM_001830.4 (MANE Select); coding-DNA position 1840, C replaced by A.
Protein change: p.Gln614Lys; replaces glutamine 614 with lysine.
Molecular consequence: missense variant.
Genome position (GRCh38, 1-based): chrX:10,213,944, C>A. VCF-style: chrX-10213944-C-A. GRCh37 (hg19) VCF-style: chrX-10181984-C-A.
Other names: c.1558C>A, p.Gln520Lys (NM_001256944.2); short protein forms Q520K, Q614K.
Identifiers: ClinVar variation 2154295 (VCV002154295.4), dbSNP rs1403529155, ClinGen allele CA412042749.

ClinVar aggregate classification (germline): Uncertain significance (1 of 4 stars; one submission).

Allele frequency attached by ClinVar (database versions not stated): gnomAD 0.00001; TOPMed 0.00001; gnomAD exomes 0.00002.
gnomAD v4.1: 27 of 1,210,947 alleles (0.0022%); highest among the groups gnomAD compares: Non-Finnish European, 0.003%; no homozygotes.

Submission:

Labcorp Genetics (formerly Invitae), Labcorp
Classification: Uncertain significance. Last evaluated: 2022-09-07. Review status: criteria provided, single submitter. Criteria: Invitae Variant Classification Sherloc (09022015). Collection method: clinical testing. Allele origin: germline.
Comment: In summary, the available evidence is currently insufficient to determine the role of this variant in disease. Therefore, it has been classified as a Variant of Uncertain Significance. Algorithms developed to predict the effect of missense changes on protein structure and function (SIFT, PolyPhen-2, Align-GVGD) all suggest that this variant is likely to be tolerated. This variant has not been reported in the literature in individuals affected with CLCN4-related conditions. The frequency data for this variant in the population databases is considered unreliable, as metrics indicate poor data quality at this position in the gnomAD database. This sequence change replaces glutamine, which is neutral and polar, with lysine, which is basic and polar, at codon 614 of the CLCN4 protein (p.Gln614Lys).